The following is an entry in ClinVar:

ClinVar aggregate classification (germline): Uncertain significance (1 of 4 stars; one submission).

Allele frequency attached by ClinVar (database versions not stated): gnomAD 0.00001; gnomAD exomes 0.00001; TOPMed 0.00002.
gnomAD v4.1: 26 of 1,579,652 alleles (0.0016%); highest among the groups gnomAD compares: Non-Finnish European, 0.0021%; no homozygotes.

Submission:

Labcorp Genetics (formerly Invitae), Labcorp
Classification: Uncertain significance. Last evaluated: 2024-02-17. Review status: criteria provided, single submitter. Criteria: Invitae Variant Classification Sherloc (09022015). Collection method: clinical testing. Allele origin: germline.
Comment: This sequence change falls in intron 16 of the TRAF3IP1 gene. It does not directly change the encoded amino acid sequence of the TRAF3IP1 protein. This variant is present in population databases (no rsID available, gnomAD 0.003%). This variant has not been reported in the literature in individuals affected with TRAF3IP1-related conditions. ClinVar contains an entry for this variant (Variation ID: 1042656). Algorithms developed to predict the effect of sequence changes on RNA splicing suggest that this variant may create or strengthen a splice site. In summary, the available evidence is currently insufficient to determine the role of this variant in disease. Therefore, it has been classified as a Variant of Uncertain Significance.

NM_015650.4(TRAF3IP1):c.1911-5C>G

Gene: TRAF3IP1 (TRAF3 interacting protein 1; plus strand). Cytogenetic location: 2q37.3.
Variant type: single nucleotide variant.
Coding change: c.1911-5C>G on transcript NM_015650.4 (MANE Select); 5 bases into the intron before coding-DNA position 1911, C replaced by G.
Molecular consequence: intron variant.
Genome position (GRCh38, 1-based): chr2:238,398,749, C>G. VCF-style: chr2-238398749-C-G. GRCh37 (hg19) VCF-style: chr2-239307390-C-G.
Other names: c.1713-5C>G (NM_001139490.1).
Identifiers: ClinVar variation 1042656 (VCV001042656.8), dbSNP rs925077639, ClinGen allele CA540487981.